The following is an entry in ClinVar:

NM_000096.4(CP):c.1227dup (p.Glu410Ter)

Gene: CP (ceruloplasmin; minus strand). Cytogenetic location: 3q25.1.
Variant type: Duplication.
Coding change: c.1227dup on transcript NM_000096.4 (MANE Select); coding-DNA position 1227, one base duplicated (T; older notation c.1227dupT).
Protein change: p.Glu410Ter; replaces glutamic acid 410 with a stop codon.
Molecular consequence: nonsense. On other transcripts: non-coding transcript variant (1).
Genome position (GRCh38, 1-based): chr3:149,202,223, A duplicated on the plus strand (T on the coding strand, the reverse complement: CP is on the minus strand); the first of 6 consecutive A bases (chr3:149,202,223-149,202,228); duplicating any one gives the same sequence. VCF-style (leftmost placement, unchanged base first): chr3-149202222-C-CA. GRCh37 (hg19) VCF-style: chr3-148920009-C-CA.
Other names: short protein forms E410*.
Identifiers: ClinVar variation 4720279 (VCV004720279.1).

ClinVar aggregate classification (germline): Pathogenic (1 of 4 stars; one submission).

Conditions:
Deficiency of ferroxidase (ACEP). Also called: Deficiency of ceruloplasmin; Aceruloplasminemia; NEURODEGENERATION WITH BRAIN IRON ACCUMULATION 10; Ceruloplasmin deficiency; Familial apoceruloplasmin deficiency; Hereditary ceruloplasmin deficiency. Identifiers: Orphanet 48818, MedGen C0878682, MONDO:0011426, OMIM 604290, HP:0025498.

Submission:

Labcorp Genetics (formerly Invitae), Labcorp
Classification: Pathogenic for Deficiency of ferroxidase. Last evaluated: 2025-05-26. Review status: criteria provided, single submitter. Criteria: Invitae Variant Classification Sherloc (09022015). Collection method: clinical testing. Allele origin: germline.
Comment: This sequence change creates a premature translational stop signal (p.Glu410*) in the CP gene. It is expected to result in an absent or disrupted protein product. Loss-of-function variants in CP are known to be pathogenic (PMID: 16629161). This variant is present in population databases (no rsID available, gnomAD 0.003%). This variant has not been reported in the literature in individuals affected with CP-related conditions. For these reasons, this variant has been classified as Pathogenic.

Literature cited by the submitters: PubMed 16629161.